The following is an entry in ClinVar:

NM_000520.6(HEXA):c.230C>T (p.Ser77Phe)

Gene: HEXA (hexosaminidase subunit alpha; minus strand). Cytogenetic location: 15q23.
Variant type: single nucleotide variant.
Coding change: c.230C>T on transcript NM_000520.6 (MANE Select); coding-DNA position 230, C replaced by T.
Protein change: p.Ser77Phe; replaces serine 77 with phenylalanine.
Molecular consequence: missense variant. On other transcripts: non-coding transcript variant (1).
Genome position (GRCh38, 1-based): chr15:72,375,743, G>A on the plus strand (C>T on the coding strand, the complement: HEXA is on the minus strand). VCF-style: chr15-72375743-G-A. GRCh37 (hg19) VCF-style: chr15-72668084-G-A.
Other names: c.230C>T, p.Ser77Phe (NM_001318825.2); short protein forms S77F.
Identifiers: ClinVar variation 1518775 (VCV001518775.5), dbSNP rs2089055459, ClinGen allele CA393070079.

ClinVar aggregate classification (germline): Uncertain significance (1 of 4 stars; one submission).

Conditions:
Tay-Sachs disease (TSD). Also called: HEXA DEFICIENCY; HEXA Disorders; GM2 gangliosidosis, type 1; Hexosaminidase alpha-subunit deficiency (variant B); Sphingolipidosis, Tay-Sachs; Hexosaminidase A Deficiency. Identifiers: Orphanet 845, MedGen C0039373, MONDO:0010100, OMIM 272800.

Allele frequency attached by ClinVar (database versions not stated): gnomAD exomes below 0.00001; TOPMed below 0.00001.
gnomAD v4.1: 2 of 1,614,212 alleles (0.00012%); highest among the groups gnomAD compares: African/African-American, 0.0027%; no homozygotes.

Submission:

Labcorp Genetics (formerly Invitae), Labcorp
Classification: Uncertain significance for Tay-Sachs disease. Last evaluated: 2022-07-20. Review status: criteria provided, single submitter. Criteria: Invitae Variant Classification Sherloc (09022015). Collection method: clinical testing. Allele origin: germline.
Comment: This sequence change replaces serine, which is neutral and polar, with phenylalanine, which is neutral and non-polar, at codon 77 of the HEXA protein (p.Ser77Phe). This variant is not present in population databases (gnomAD no frequency). This variant has not been reported in the literature in individuals affected with HEXA-related conditions. ClinVar contains an entry for this variant (Variation ID: 1518775). Algorithms developed to predict the effect of missense changes on protein structure and function (SIFT, PolyPhen-2, Align-GVGD) all suggest that this variant is likely to be tolerated. In summary, the available evidence is currently insufficient to determine the role of this variant in disease. Therefore, it has been classified as a Variant of Uncertain Significance.